The following is an entry in ClinVar:

NM_144643.4(SCLT1):c.940G>A (p.Glu314Lys)

Gene: SCLT1 (sodium channel and clathrin linker 1; minus strand). Cytogenetic location: 4q28.2.
Variant type: single nucleotide variant.
Coding change: c.940G>A on transcript NM_144643.4 (MANE Select); coding-DNA position 940, G replaced by A.
Protein change: p.Glu314Lys; replaces glutamic acid 314 with lysine.
Molecular consequence: missense variant.
Genome position (GRCh38, 1-based): chr4:128,959,707, C>T on the plus strand (G>A on the coding strand, the complement: SCLT1 is on the minus strand). VCF-style: chr4-128959707-C-T. GRCh37 (hg19) VCF-style: chr4-129880862-C-T.
Other names: c.940G>A, p.Glu314Lys (NM_001410807.1); short protein forms E314K.
Identifiers: ClinVar variation 2069685 (VCV002069685.1), dbSNP rs576491536, ClinGen allele CA105731373.

ClinVar aggregate classification (germline): Uncertain significance (1 of 4 stars; one submission).

Allele frequency attached by ClinVar (database versions not stated): TOPMed below 0.00001; gnomAD 0.00001; gnomAD exomes 0.00001; 1000 Genomes Project 30x 0.00016; 1000 Genomes Project 0.00020.
gnomAD v4.1: 12 of 1,613,580 alleles (0.00074%); highest among the groups gnomAD compares: Middle Eastern, 0.033%; no homozygotes.

Submission:

Labcorp Genetics (formerly Invitae), Labcorp
Classification: Uncertain significance. Last evaluated: 2022-01-16. Review status: criteria provided, single submitter. Criteria: Invitae Variant Classification Sherloc (09022015). Collection method: clinical testing. Allele origin: germline.
Comment: This sequence change replaces glutamic acid, which is acidic and polar, with lysine, which is basic and polar, at codon 314 of the SCLT1 protein (p.Glu314Lys). This variant is not present in population databases (gnomAD no frequency). This variant has not been reported in the literature in individuals affected with SCLT1-related conditions. Algorithms developed to predict the effect of missense changes on protein structure and function (SIFT, PolyPhen-2, Align-GVGD) all suggest that this variant is likely to be tolerated. In summary, the available evidence is currently insufficient to determine the role of this variant in disease. Therefore, it has been classified as a Variant of Uncertain Significance.